The following is an entry in ClinVar:

ClinVar aggregate classification (germline): Uncertain significance (1 of 4 stars; one submission).

Allele frequency attached by ClinVar (database versions not stated): ExAC 0.00001; ESP Exome Variant Server 0.00008.
gnomAD v4.1: 12 of 1,613,282 alleles (0.00074%); highest among the groups gnomAD compares: East Asian, 0.016%; no homozygotes.

Submission:

Labcorp Genetics (formerly Invitae), Labcorp
Classification: Uncertain significance. Last evaluated: 2024-01-02. Review status: criteria provided, single submitter. Criteria: Invitae Variant Classification Sherloc (09022015). Collection method: clinical testing. Allele origin: germline.
Comment: This sequence change replaces alanine, which is neutral and non-polar, with threonine, which is neutral and polar, at codon 349 of the ASCC1 protein (p.Ala349Thr). This variant is present in population databases (rs369467167, gnomAD 0.02%). This variant has not been reported in the literature in individuals affected with ASCC1-related conditions. ClinVar contains an entry for this variant (Variation ID: 1968724). An algorithm developed to predict the effect of missense changes on protein structure and function (PolyPhen-2) suggests that this variant is likely to be tolerated. In summary, the available evidence is currently insufficient to determine the role of this variant in disease. Therefore, it has been classified as a Variant of Uncertain Significance.

NM_001198800.3(ASCC1):c.1045G>A (p.Ala349Thr)

Gene: ASCC1 (activating signal cointegrator 1 complex subunit 1; minus strand). Cytogenetic location: 10q22.1.
Variant type: single nucleotide variant.
Coding change: c.1045G>A on transcript NM_001198800.3 (MANE Select); coding-DNA position 1045, G replaced by A.
Protein change: p.Ala349Thr; replaces alanine 349 with threonine.
Molecular consequence: missense variant. On other transcripts: 3 prime UTR variant (20), non-coding transcript variant (1).
Genome position (GRCh38, 1-based): chr10:72,097,363, C>T on the plus strand (G>A on the coding strand, the complement: ASCC1 is on the minus strand). VCF-style: chr10-72097363-C-T. GRCh37 (hg19) VCF-style: chr10-73857121-C-T.
Other names: c.1045G>A, p.Ala349Thr (NM_001198798.2, NM_001369093.1, NM_001369094.1 and 1 more transcripts); c.*123G>A (NM_001198799.3, NM_001369085.1, NM_001369087.1 and 3 more transcripts); c.*80G>A (NM_001369086.1, NM_001369090.1, NM_001369091.1 and 11 more transcripts); c.991G>A, p.Ala331Thr (NM_001369099.1); c.928G>A, p.Ala310Thr (NM_001369105.1, NM_001369106.1, NM_001369107.1); c.925G>A, p.Ala309Thr (NM_001369108.1, NM_001369109.1); short protein forms A349T, A309T, A310T, A331T.
Identifiers: ClinVar variation 1968724 (VCV001968724.5), dbSNP rs369467167, ClinGen allele CA5548819.